The following is an entry in ClinVar:

NM_004360.5(CDH1):c.1138-17A>T

Gene: CDH1 (cadherin 1; plus strand). Cytogenetic location: 16q22.1.
Variant type: single nucleotide variant.
Coding change: c.1138-17A>T on transcript NM_004360.5 (MANE Select); 17 bases into the intron before coding-DNA position 1138, A replaced by T.
Molecular consequence: intron variant.
Genome position (GRCh38, 1-based): chr16:68,813,296, A>T. VCF-style: chr16-68813296-A-T. GRCh37 (hg19) VCF-style: chr16-68847199-A-T.
Other names: c.-478-17A>T (NM_001317185.2); c.-682-17A>T (NM_001317186.2); c.1137+1033A>T (NM_001317184.2).
Identifiers: ClinVar variation 3378897 (VCV003378897.1).
Genomic context (GRCh38, chr16:68,813,296, plus strand): 5'-AATCCTTTAGCCCCCTGAGACTCAGCTCTGCTAGCAGTCTTGGTACTTTGTAAATGACAC[A>T]TCTCTTTGCTCTGCAGTACAAGGGTCAGGTGCCTGAGAACGAGGCTAACGTCGTAATCAC-3'

ClinVar aggregate classification (germline): Likely benign (1 of 4 stars; one submission).

Conditions:
Hereditary diffuse gastric adenocarcinoma (HDGC). Also called: DIFFUSE GASTRIC AND LOBULAR BREAST CANCER SYNDROME. Identifiers: Orphanet 26106, MedGen C1708349, MONDO:0007648, OMIM 137215.

Submission:

Myriad Genetics, Inc.
Classification: Likely benign for Hereditary diffuse gastric adenocarcinoma. Last evaluated: 2024-09-18. Review status: criteria provided, single submitter. Criteria: Myriad Autosomal Dominant, Autosomal Recessive and X-Linked Classification Criteria (2023). Collection method: clinical testing. Allele origin: unknown.
Comment: This variant is considered likely benign. This variant is intronic and is not expected to impact mRNA splicing.